The following is an entry in ClinVar:

ClinVar aggregate classification (germline): Uncertain significance (1 of 4 stars; one submission).

Conditions:
Early onset severe obesity. Identifiers: MedGen C4013980.

Submission:

Cambridge Genomics Laboratory, East Genomic Laboratory Hub, NHS Genomic Medicine Service
Classification: Uncertain significance for Severe early-onset obesity. Last evaluated: 2023-11-20. Review status: criteria provided, single submitter. Criteria: ACGS Best Practice Guidelines for Variant Classification in Rare Disease 2020. Collection method: clinical testing. Allele origin: germline. Affected: yes.
Comment: The missense variant NM_005912.3(MC4R):c.632T>A (p.Leu211His) causes a change at the same amino acid residue as a previously established pathogenic variant. (PM5_Supporting - Supporting) | The p.Leu211His variant is novel (not in any individuals) in gnomAD All. The p.Leu211His variant is novel (not in any individuals) in 1kG All. The p.Leu211His variant is novel (not in any individuals) in gnomAD Genomes v3 All. (PM2 - Moderate) | The p.Leu211His missense variant is predicted to be damaging by both SIFT and PolyPhen2. The leucine residue at codon 211 of MC4R is conserved in all mammalian species. The nucleotide c.632 in MC4R is predicted conserved by GERP++ and PhyloP across 100 vertebrates. (PP3 - Supporting)

NM_005912.3(MC4R):c.632T>A (p.Leu211His)

Gene: MC4R (melanocortin 4 receptor; minus strand). Cytogenetic location: 18q21.32.
Variant type: single nucleotide variant.
Coding change: c.632T>A on transcript NM_005912.3 (MANE Select); coding-DNA position 632, T replaced by A.
Protein change: p.Leu211His; replaces leucine 211 with histidine.
Molecular consequence: missense variant.
Genome position (GRCh38, 1-based): chr18:60,371,718, A>T on the plus strand (T>A on the coding strand, the complement: MC4R is on the minus strand). VCF-style: chr18-60371718-A-T. GRCh37 (hg19) VCF-style: chr18-58038951-A-T.
Other names: short protein forms L211H.
Identifiers: ClinVar variation 4812847 (VCV004812847.1).